The following is an entry in ClinVar:

NM_032217.5(ANKRD17):c.2966T>A (p.Val989Glu)

Gene: ANKRD17 (ankyrin repeat domain 17; minus strand). Cytogenetic location: 4q13.3.
Variant type: single nucleotide variant.
Coding change: c.2966T>A on transcript NM_032217.5 (MANE Select); coding-DNA position 2966, T replaced by A.
Protein change: p.Val989Glu; replaces valine 989 with glutamic acid.
Molecular consequence: missense variant. On other transcripts: intron variant (1).
Genome position (GRCh38, 1-based): chr4:73,139,650, A>T on the plus strand (T>A on the coding strand, the complement: ANKRD17 is on the minus strand). VCF-style: chr4-73139650-A-T. GRCh37 (hg19) VCF-style: chr4-74005367-A-T.
Other names: c.2332+2091T>A (NM_198889.3); c.2627T>A, p.Val876Glu (NM_001286771.3); c.2966T>A, p.Val989Glu (NM_015574.2); short protein forms V876E, V989E.
Identifiers: ClinVar variation 3372530 (VCV003372530.1).

ClinVar aggregate classification (germline): Uncertain significance (1 of 4 stars; one submission).

Submission:

GeneDx
Classification: Uncertain significance. Last evaluated: 2024-04-17. Review status: criteria provided, single submitter. Criteria: GeneDx Variant Classification Process June 2021. Collection method: clinical testing. Allele origin: germline. Affected: yes.
Comment: Not observed at significant frequency in large population cohorts (gnomAD); In silico analysis indicates that this missense variant does not alter protein structure/function; Has not been previously published as pathogenic or benign to our knowledge